The following is an entry in ClinVar:

ClinVar aggregate classification (germline): Uncertain significance (1 of 4 stars; one submission).

Conditions:
Mitochondrial complex II deficiency, nuclear type 1. Also called: SUCCINATE CoQ REDUCTASE DEFICIENCY. Identifiers: Orphanet 3208, MedGen C5700310, MONDO:0100294, OMIM 252011.
Pheochromocytoma/paraganglioma syndrome 5. Also called: Paragangliomas 5; SDHA-Related Hereditary Paraganglioma-Pheochromocytoma Syndrome. Identifiers: Orphanet 29072, MedGen C3279992, MONDO:0013602, OMIM 614165.

Submission:

Labcorp Genetics (formerly Invitae), Labcorp
Classification: Uncertain significance for Pheochromocytoma/paraganglioma syndrome 5; Mitochondrial complex II deficiency, nuclear type 1. Last evaluated: 2023-04-28. Review status: criteria provided, single submitter. Criteria: Invitae Variant Classification Sherloc (09022015). Collection method: clinical testing. Allele origin: germline.
Comment: In summary, the available evidence is currently insufficient to determine the role of this variant in disease. Therefore, it has been classified as a Variant of Uncertain Significance. Advanced modeling of protein sequence and biophysical properties (such as structural, functional, and spatial information, amino acid conservation, physicochemical variation, residue mobility, and thermodynamic stability) performed at Invitae indicates that this missense variant is not expected to disrupt SDHA protein function. This variant has not been reported in the literature in individuals affected with SDHA-related conditions. This variant is not present in population databases (gnomAD no frequency). This sequence change replaces glutamic acid, which is acidic and polar, with alanine, which is neutral and non-polar, at codon 144 of the SDHA protein (p.Glu144Ala).

NM_004168.4(SDHA):c.431A>C (p.Glu144Ala)

Gene: SDHA (succinate dehydrogenase complex flavoprotein subunit A; plus strand). Cytogenetic location: 5p15.33.
Variant type: single nucleotide variant.
Coding change: c.431A>C on transcript NM_004168.4 (MANE Select); coding-DNA position 431, A replaced by C.
Protein change: p.Glu144Ala; replaces glutamic acid 144 with alanine.
Molecular consequence: missense variant. On other transcripts: intron variant (1).
Genome position (GRCh38, 1-based): chr5:225,537, A>C. VCF-style: chr5-225537-A-C. GRCh37 (hg19) VCF-style: chr5-225652-A-C.
Other names: c.431A>C, p.Glu144Ala (NM_001330758.2); c.313-346A>C (NM_001294332.2); short protein forms E144A.
Identifiers: ClinVar variation 2947248 (VCV002947248.3), dbSNP rs2477295610, ClinGen allele CA359009628.